The following is an entry in ClinVar:

NM_182643.3(DLC1):c.1818C>T (p.His606=)

Gene: DLC1 (DLC1 Rho GTPase activating protein; minus strand). Cytogenetic location: 8p22.
Variant type: single nucleotide variant.
Coding change: c.1818C>T on transcript NM_182643.3 (MANE Select); coding-DNA position 1818, C replaced by T.
Protein change: p.His606=; no amino-acid change (histidine 606 retained).
Molecular consequence: synonymous variant.
Genome position (GRCh38, 1-based): chr8:13,100,519, G>A on the plus strand (C>T on the coding strand, the complement: DLC1 is on the minus strand). VCF-style: chr8-13100519-G-A. GRCh37 (hg19) VCF-style: chr8-12958028-G-A.
Other names: c.285C>T, p.His95= (NM_001164271.2, NM_001348082.2, NM_001348083.1 and 6 more transcripts); c.609C>T, p.His203= (NM_001316668.2, NM_001413129.1); c.1818C>T, p.His606= (NM_001348081.2, NM_001413124.1); c.600C>T, p.His200= (NM_001413130.1); c.258C>T, p.His86= (NM_001413131.1, NM_001413137.1); c.744C>T, p.His248= (NM_001413132.1); c.507C>T, p.His169= (NM_001413135.1, NM_001413136.1, NM_001413139.1 and 1 more transcripts); c.642C>T, p.His214= (NM_001413140.1).
Identifiers: ClinVar variation 3029823 (VCV003029823.2), dbSNP rs561597944, ClinGen allele CA4638801.

ClinVar aggregate classification (germline): Likely benign (0 of 4 stars; one submission).

Conditions:
DLC1-related disorder. Also called: DLC1-related condition.

Allele frequency attached by ClinVar (database versions not stated): ExAC 0.00002; 1000 Genomes Project 0.00020; 1000 Genomes Project 30x 0.00031.
gnomAD v4.1: 17 of 1,612,606 alleles (0.0011%); highest among the groups gnomAD compares: Admixed American, 0.01%; no homozygotes.

Submission:

PreventionGenetics, part of Exact Sciences
Classification: Likely benign for DLC1-related condition. Last evaluated: 2021-10-04. Review status: no assertion criteria provided. Collection method: clinical testing. Allele origin: germline.
Comment: This variant is classified as likely benign based on ACMG/AMP sequence variant interpretation guidelines (Richards et al. 2015 PMID: 25741868, with internal and published modifications).